The following is an entry in ClinVar:

ClinVar aggregate classification (germline): Pathogenic (1 of 4 stars; one submission).

Submission:

Labcorp Genetics (formerly Invitae), Labcorp
Classification: Pathogenic. Last evaluated: 2025-04-11. Review status: criteria provided, single submitter. Criteria: Invitae Variant Classification Sherloc (09022015). Collection method: clinical testing. Allele origin: germline.
Comment: This sequence change creates a premature translational stop signal (p.Ser1421Ilefs*7) in the MYO18B gene. It is expected to result in an absent or disrupted protein product. Loss-of-function variants in MYO18B are known to be pathogenic (PMID: 25748484, 32184166, 32637634). This variant is not present in population databases (gnomAD no frequency). This variant has not been reported in the literature in individuals affected with MYO18B-related conditions. ClinVar contains an entry for this variant (Variation ID: 3701662). For these reasons, this variant has been classified as Pathogenic.

Literature cited by the submitters: PubMed 25748484; PubMed 32184166; PubMed 32637634.

NM_032608.7(MYO18B):c.4260dup (p.Ser1421fs)

Gene: MYO18B (myosin XVIIIB; plus strand). Cytogenetic location: 22q12.1.
Variant type: Duplication.
Coding change: c.4260dup on transcript NM_032608.7 (MANE Select); coding-DNA position 4260, one base duplicated (A; older notation c.4260dupA).
Protein change: p.Ser1421fs; shifts the reading frame from serine 1421.
Molecular consequence: frameshift variant.
Genome position (GRCh38, 1-based): chr22:25,877,994, A duplicated; the last of 5 consecutive A bases (chr22:25,877,990-25,877,994); duplicating any one gives the same sequence. VCF-style (leftmost placement, unchanged base first): chr22-25877989-G-GA. GRCh37 (hg19) VCF-style: chr22-26273956-G-GA.
Other names: c.4263dup, p.Ser1422fs (NM_001318245.2); short protein forms S1421fs, S1422fs.
Identifiers: ClinVar variation 3701662 (VCV003701662.2).
Genomic context (GRCh38, chr22:25,877,989, plus strand): 5'-TGGTTTCTGTTCATGTGTTTGTTTTTGTAGGAGGAGCTTACAACGCTAAGACGGAAGCTA[G>GA]AAAAATCAGAGAAGTTGCGGAATGAACTCCGGCAGAACACAGATCTGCTAGAAAGCAAGG-3'